The following is an entry in ClinVar:

ClinVar aggregate classification (germline): Uncertain significance. Review status: criteria provided, multiple submitters, no conflicts (2 of 4 stars). 4 submissions from 4 submitters: Uncertain significance (4). Last evaluated 2026-01-21.

Conditions:
Wilms tumor 1 (WT1). Also called: Wilms tumor, somatic. Identifiers: Orphanet 654, MedGen CN033288, MONDO:0008679, OMIM 194070.
11p partial monosomy syndrome (WAGR). Also called: WAGR Complex; WAGR Spectrum Disorder; WAGR syndrome; CHROMOSOME 11p13 DELETION SYNDROME. Identifiers: Orphanet 893, MedGen C0206115, MONDO:0008681, OMIM 194072.
Drash syndrome (DDS). Also called: NEPHROPATHY, WILMS TUMOR, AND GENITAL ANOMALIES; WILMS TUMOR AND PSEUDO- OR TRUE HERMAPHRODITISM. Identifiers: Orphanet 220, MedGen C0950121, MONDO:0008682, OMIM 194080.
Frasier syndrome. Identifiers: Orphanet 347, MedGen C0950122, MeSH D052159, MONDO:0007635, OMIM 136680.
Inborn genetic diseases. Identifiers: MedGen C0950123, MeSH D030342.

gnomAD v4.1: 12 of 1,612,438 alleles (0.00074%); highest among the groups gnomAD compares: East Asian, 0.027%; no homozygotes.

Submissions (4):

Labcorp Genetics (formerly Invitae), Labcorp
Classification: Uncertain significance for Wilms tumor 1; Drash syndrome; 11p partial monosomy syndrome; Frasier syndrome. Last evaluated: 2026-01-21. Review status: criteria provided, single submitter. Criteria: Invitae Variant Classification Sherloc (09022015). Collection method: clinical testing. Allele origin: germline.
Comment: This sequence change replaces glutamine, which is neutral and polar, with histidine, which is basic and polar, at codon 155 of the WT1 protein (p.Gln155His). This variant is not present in population databases (gnomAD no frequency). This variant has not been reported in the literature in individuals affected with WT1-related conditions. ClinVar contains an entry for this variant (Variation ID: 579939). Invitae Evidence Modeling of protein sequence and biophysical properties (such as structural, functional, and spatial information, amino acid conservation, physicochemical variation, residue mobility, and thermodynamic stability) indicates that this missense variant is not expected to disrupt WT1 protein function with a negative predictive value of 95%. In summary, the available evidence is currently insufficient to determine the role of this variant in disease. Therefore, it has been classified as a Variant of Uncertain Significance.

Ambry Genetics
Classification: Uncertain significance for Inborn genetic diseases. Last evaluated: 2025-01-17. Review status: criteria provided, single submitter. Criteria: Ambry Variant Classification Scheme 2023. Collection method: clinical testing. Allele origin: germline.
Comment: The p.Q155H variant (also known as c.465G>C), located in coding exon 1 of the WT1 gene, results from a G to C substitution at nucleotide position 465. The glutamine at codon 155 is replaced by histidine, an amino acid with highly similar properties. This amino acid position is not well conserved in available vertebrate species. In addition, this alteration is predicted to be tolerated by in silico analysis. Based on the available evidence, the clinical significance of this variant remains unclear.

All of Us Research Program, National Institutes of Health
Classification: Uncertain significance for Wilms tumor 1. Last evaluated: 2024-05-14. Review status: criteria provided, single submitter. Criteria: ACMG Guidelines, 2015. Collection method: clinical testing. Allele origin: germline. Inheritance: Autosomal dominant inheritance. Observed: 3 variant alleles, 3 heterozygotes.
Comment: This missense variant replaces glutamine with histidine at codon 155 in the WT1 protein. Computational prediction suggests that this variant may not impact protein structure and function (internally defined REVEL score threshold <= 0.5, PMID: 27666373). To our knowledge, functional studies have not been reported for this variant. This variant has not been reported in individuals affected with hereditary cancer in the literature. This variant has not been identified in the general population by the Genome Aggregation Database (gnomAD). The available evidence is insufficient to determine the role of this variant in disease conclusively. Therefore, this variant is classified as a Variant of Uncertain Significance.

This study involves interpretation of variants in research participants for the purpose of population health screening. Participant phenotype was not available at the time of variant classification. Additional details can be found in publication PMID: 35346344, PMCID: PMC8962531

Mendelics
Classification: Uncertain significance. Last evaluated: 2022-05-04. Review status: criteria provided, single submitter. Criteria: Mendelics Assertion Criteria 2019. Collection method: clinical testing. Allele origin: germline.

NM_024426.6(WT1):c.480G>C (p.Gln160His)

Genes: WT1 (WT1 transcription factor; minus strand), LOC107982234 (WT1/WT1-AS bi-directional promoter region; plus strand). Cytogenetic location: 11p13.
Variant type: single nucleotide variant.
Coding change: c.480G>C on transcript NM_024426.6 (MANE Select); coding-DNA position 480, G replaced by C.
Protein change: p.Gln160His; replaces glutamine 160 with histidine.
Molecular consequence: missense variant. On other transcripts: non-coding transcript variant (1).
Genome position (GRCh38, 1-based): chr11:32,434,881, C>G on the plus strand (G>C on the coding strand, the complement: WT1 is on the minus strand). VCF-style: chr11-32434881-C-G. GRCh37 (hg19) VCF-style: chr11-32456427-C-G.
Other names: c.480G>C, p.Gln160His (NM_000378.6, NM_024424.5); short protein forms Q160H.
Identifiers: ClinVar variation 579939 (VCV000579939.16), dbSNP rs758900425, ClinGen allele CA379964937.